The following is an entry in ClinVar:

ClinVar aggregate classification (germline): Benign. Review status: criteria provided, multiple submitters, no conflicts (2 of 4 stars). 2 submissions from 2 submitters: Benign (2). Last evaluated 2018-01-13.

Conditions:
Retinitis pigmentosa (RP). Identifiers: Orphanet 791, MedGen C0035334, MeSH D012174, MONDO:0019200, OMIM 268000. Inheritance: Autosomal dominant, autosomal recessive and X linked inheritance.

Allele frequency attached by ClinVar (database versions not stated): TOPMed 0.19205; gnomAD 0.19995 and 0.20306; 1000 Genomes Project 30x 0.21252; 1000 Genomes Project 0.21506; gnomAD exomes 0.33333.
gnomAD v4.1: 31,092 of 152,172 alleles (20%); highest among the groups gnomAD compares: East Asian, 31%; 3,683 homozygotes.

Submissions (2):

Illumina Laboratory Services, Illumina
Classification: Benign for Retinitis pigmentosa. Last evaluated: 2018-01-13. Review status: criteria provided, single submitter. Criteria: ICSL Variant Classification Criteria 13 December 2019. Collection method: clinical testing. Allele origin: germline.
Comment: This variant was observed in the ICSL laboratory as part of a predisposition screen in an ostensibly healthy population. It had not been previously curated by ICSL or reported in the Human Gene Mutation Database (HGMD: prior to June 1st, 2018), and was therefore a candidate for classification through an automated scoring system. Utilizing variant allele frequency, disease prevalence and penetrance estimates, and inheritance mode, an automated score was calculated to assess if this variant is too frequent to cause the disease. Based on the score and internal cut-off values, a variant classified as benign is not then subjected to further curation. The score for this variant resulted in a classification of benign for this disease.

Breakthrough Genomics
Classification: Benign. Review status: criteria provided, single submitter. Criteria: ACMG Guidelines, 2015. Collection method: not provided. Allele origin: germline. Inheritance: Unknown mechanism. Affected: yes.

NM_001029883.3(PCARE):c.*2279G>A

Gene: PCARE (photoreceptor cilium actin regulator; minus strand). Cytogenetic location: 2p23.2.
Variant type: single nucleotide variant.
Coding change: c.*2279G>A on transcript NM_001029883.3 (MANE Select); 2279 bases downstream of the stop codon, G replaced by A.
Molecular consequence: 3 prime UTR variant.
Genome position (GRCh38, 1-based): chr2:29,062,590, C>T on the plus strand (G>A on the coding strand, the complement: PCARE is on the minus strand). VCF-style: chr2-29062590-C-T. GRCh37 (hg19) VCF-style: chr2-29285456-C-T.
Identifiers: ClinVar variation 335588 (VCV000335588.6), dbSNP rs1562393, ClinGen allele CA10614933.